The following is an entry in ClinVar:

NM_001367624.2(ZNF469):c.2879C>T (p.Ser960Leu)

Gene: ZNF469 (zinc finger protein 469; plus strand). Cytogenetic location: 16q24.2.
Variant type: single nucleotide variant.
Coding change: c.2879C>T on transcript NM_001367624.2 (MANE Select); coding-DNA position 2879, C replaced by T.
Protein change: p.Ser960Leu; replaces serine 960 with leucine.
Molecular consequence: missense variant.
Genome position (GRCh38, 1-based): chr16:88,430,349, C>T. VCF-style: chr16-88430349-C-T. GRCh37 (hg19) VCF-style: chr16-88496757-C-T.
Other names: NM_001127464.1:c.2879C>T; short protein forms S960L.
Identifiers: ClinVar variation 3258225 (VCV003258225.1).

ClinVar aggregate classification (germline): Uncertain significance (1 of 4 stars; one submission).

Conditions:
Cardiovascular phenotype. Identifiers: MedGen CN230736.

gnomAD v4.1: 3 of 1,513,158 alleles (0.0002%); highest among the groups gnomAD compares: South Asian, 0.0012%; no homozygotes.

Submission:

Ambry Genetics
Classification: Uncertain significance for Cardiovascular phenotype. Last evaluated: 2024-03-30. Review status: criteria provided, single submitter. Criteria: Ambry Variant Classification Scheme 2023. Collection method: clinical testing. Allele origin: germline.
Comment: The p.S960L variant (also known as c.2879C>T), located in coding exon 1 of the ZNF469 gene, results from a C to T substitution at nucleotide position 2879. The serine at codon 960 is replaced by leucine, an amino acid with dissimilar properties. This amino acid position is conserved. In addition, this alteration is predicted to be tolerated by in silico analysis. Based on the available evidence, the clinical significance of this alteration remains unclear.